The following is an entry in ClinVar:

NM_015512.5(DNAH1):c.9454C>G (p.Leu3152Val)

Gene: DNAH1 (dynein axonemal heavy chain 1; plus strand). Cytogenetic location: 3p21.1.
Variant type: single nucleotide variant.
Coding change: c.9454C>G on transcript NM_015512.5 (MANE Select); coding-DNA position 9454, C replaced by G.
Protein change: p.Leu3152Val; replaces leucine 3152 with valine.
Molecular consequence: missense variant.
Genome position (GRCh38, 1-based): chr3:52,388,896, C>G. VCF-style: chr3-52388896-C-G. GRCh37 (hg19) VCF-style: chr3-52422912-C-G.
Other names: short protein forms L3152V.
Identifiers: ClinVar variation 2926858 (VCV002926858.3), dbSNP rs1233164282, ClinGen allele CA353195731.

ClinVar aggregate classification (germline): Uncertain significance (1 of 4 stars; one submission).

Conditions:
Spermatogenic failure 18. Identifiers: MedGen C4539783, MONDO:0054615, OMIM 617576.
Ciliary dyskinesia, primary, 37 (CILD37). Also called: CILIARY DYSKINESIA, PRIMARY, 37, WITH OR WITHOUT SITUS INVERSUS. Identifiers: MedGen C4539798, MONDO:0033204, OMIM 617577.

gnomAD v4.1: 4 of 1,612,154 alleles (0.00025%); highest among the groups gnomAD compares: African/African-American, 0.0027%; no homozygotes.

Submission:

Labcorp Genetics (formerly Invitae), Labcorp
Classification: Uncertain significance for Ciliary dyskinesia, primary, 37; Spermatogenic failure 18. Last evaluated: 2023-06-16. Review status: criteria provided, single submitter. Criteria: Invitae Variant Classification Sherloc (09022015). Collection method: clinical testing. Allele origin: germline.
Comment: In summary, the available evidence is currently insufficient to determine the role of this variant in disease. Therefore, it has been classified as a Variant of Uncertain Significance. Advanced modeling of protein sequence and biophysical properties (such as structural, functional, and spatial information, amino acid conservation, physicochemical variation, residue mobility, and thermodynamic stability) performed at Invitae indicates that this missense variant is not expected to disrupt DNAH1 protein function. This variant has not been reported in the literature in individuals affected with DNAH1-related conditions. This variant is not present in population databases (gnomAD no frequency). This sequence change replaces leucine, which is neutral and non-polar, with valine, which is neutral and non-polar, at codon 3152 of the DNAH1 protein (p.Leu3152Val).